The following is an entry in ClinVar:

ClinVar aggregate classification (germline): Likely benign (1 of 4 stars; one submission).

Conditions:
Charcot-Marie-Tooth disease axonal type 2N (CMT2N). Also called: Charcot-Marie-Tooth Neuropathy Type 2N; CHARCOT-MARIE-TOOTH DISEASE, AXONAL, AUTOSOMAL DOMINANT, TYPE 2N; CHARCOT-MARIE-TOOTH NEUROPATHY, AXONAL, TYPE 2N. Identifiers: Orphanet 228174, MedGen C2750090, MONDO:0013212, OMIM 613287.
Charcot-Marie-Tooth disease type 2. Also called: Charcot-Marie-Tooth type 2. Identifiers: Orphanet 64746, MedGen C0270914, MONDO:0018993.

Allele frequency attached by ClinVar (database versions not stated): TOPMed below 0.00001.

Submission:

Labcorp Genetics (formerly Invitae), Labcorp
Classification: Likely benign for Charcot-Marie-Tooth disease type 2. Last evaluated: 2022-11-28. Review status: criteria provided, single submitter. Criteria: Invitae Variant Classification Sherloc (09022015). Collection method: clinical testing. Allele origin: germline.

NM_001605.3(AARS1):c.387C>T (p.Pro129=)

Gene: AARS1 (alanyl-tRNA synthetase 1; minus strand). Cytogenetic location: 16q22.1.
Variant type: single nucleotide variant.
Coding change: c.387C>T on transcript NM_001605.3 (MANE Select); coding-DNA position 387, C replaced by T.
Protein change: p.Pro129=; no amino-acid change (proline 129 retained).
Molecular consequence: synonymous variant.
Genome position (GRCh38, 1-based): chr16:70,276,578, G>A on the plus strand (C>T on the coding strand, the complement: AARS1 is on the minus strand). VCF-style: chr16-70276578-G-A. GRCh37 (hg19) VCF-style: chr16-70310481-G-A.
Other names: c.387C>T (NM_001605.2).
Identifiers: ClinVar variation 1682312 (VCV001682312.9), dbSNP rs1960557000, ClinGen allele CA496213290.
Genomic context (GRCh38, chr16:70,276,578, plus strand): 5'-ATCTGCTTCTAAGCCAGCTGCTTCATCCCCGCCAAAGTAAGTAACATAAAGTCTTTCAAT[G>A]GGAATGCCAAACTCTTGGGTGAGGAGTTCCAGAGCCATCTTACATGCCAATTCCTACAAA-3'
Protein context (NP_001596.2, residues 119-139): LELLTQEFGI[Pro129=]IERLYVTYFG